The following is an entry in ClinVar:

NM_004371.4(COPA):c.2326G>A (p.Glu776Lys)

Gene: COPA (coat protein complex I subunit alpha; minus strand). Cytogenetic location: 1q23.2.
Variant type: single nucleotide variant.
Coding change: c.2326G>A on transcript NM_004371.4 (MANE Select); coding-DNA position 2326, G replaced by A.
Protein change: p.Glu776Lys; replaces glutamic acid 776 with lysine.
Molecular consequence: missense variant.
Genome position (GRCh38, 1-based): chr1:160,296,087, C>T on the plus strand (G>A on the coding strand, the complement: COPA is on the minus strand). VCF-style: chr1-160296087-C-T. GRCh37 (hg19) VCF-style: chr1-160265877-C-T.
Other names: c.2353G>A, p.Glu785Lys (NM_001098398.2); short protein forms E776K, E785K.
Identifiers: ClinVar variation 2695283 (VCV002695283.3), dbSNP rs2525360711, ClinGen allele CA343276690.

ClinVar aggregate classification (germline): Uncertain significance (1 of 4 stars; one submission).

Conditions:
Autoimmune interstitial lung disease-arthritis syndrome. Also called: Autoinflammation and autoimmunity, systemic, with immune dysregulation. Identifiers: Orphanet 444092, MedGen C5975714, MONDO:0014629.

Submission:

Labcorp Genetics (formerly Invitae), Labcorp
Classification: Uncertain significance for Autoimmune interstitial lung disease-arthritis syndrome. Last evaluated: 2023-11-12. Review status: criteria provided, single submitter. Criteria: Invitae Variant Classification Sherloc (09022015). Collection method: clinical testing. Allele origin: germline.
Comment: This sequence change replaces glutamic acid, which is acidic and polar, with lysine, which is basic and polar, at codon 776 of the COPA protein (p.Glu776Lys). This variant is not present in population databases (gnomAD no frequency). This variant has not been reported in the literature in individuals affected with COPA-related conditions. Advanced modeling of protein sequence and biophysical properties (such as structural, functional, and spatial information, amino acid conservation, physicochemical variation, residue mobility, and thermodynamic stability) performed at Invitae indicates that this missense variant is not expected to disrupt COPA protein function with a negative predictive value of 80%. In summary, the available evidence is currently insufficient to determine the role of this variant in disease. Therefore, it has been classified as a Variant of Uncertain Significance.